The following is an entry in ClinVar:

NM_001288705.3(CSF1R):c.2527_2530delinsGGCA (p.Ile843_Leu844delinsGlyIle)

Gene: CSF1R (colony stimulating factor 1 receptor; minus strand). Cytogenetic location: 5q32.
Variant type: Indel.
Coding change: c.2527_2530delinsGGCA on transcript NM_001288705.3 (MANE Select); coding-DNA positions 2527 to 2530, ATCC replaced by GGCA.
Protein change: p.Ile843_Leu844delinsGlyIle.
Molecular consequence: missense variant. On other transcripts: non-coding transcript variant (2).
Genome position (GRCh38, 1-based): chr5:150,056,050-150,056,053, GGAT replaced by TGCC on the plus strand (ATCC replaced by GGCA on the coding strand, the reverse complement: CSF1R is on the minus strand). VCF-style: chr5-150056050-GGAT-TGCC. GRCh37 (hg19) VCF-style: chr5-149435613-GGAT-TGCC.
Other names: c.2527_2530delinsGGCA, p.Ile843_Leu844delinsGlyIle (NM_001349736.2, NM_001375320.1, NM_005211.4); c.2083_2086delinsGGCA, p.Ile695_Leu696delinsGlyIle (NM_001375321.1).
Identifiers: ClinVar variation 549854 (VCV000549854.4), dbSNP rs1561904557, ClinGen allele CA913189498.
Genomic context (GRCh38, chr5:150,056,050, plus strand): 5'-CCCCAGGCTCTGCCTGGAGTGGGCCCAGTGGCTCACCAAGTGAGAAGATCTCCCAGAGGA[GGAT>TGCC]GCCATAGGACCAGACGTCGCTCTGAACCGTGTAGACACAGTCAAAGATGCTCTCTGGGGC-3'

ClinVar aggregate classification (germline): Pathogenic (0 of 4 stars; one submission).

Conditions:
Hereditary diffuse leukoencephalopathy with spheroids. Also called: LEUKOENCEPHALOPATHY, ADULT-ONSET, WITH AXONAL SPHEROIDS AND PIGMENTED GLIA. Identifiers: Orphanet 313808, MedGen C3711381, MONDO:0030796.

Submission:

Institute of Human Genetics, Martin Luther University Halle-Wittenberg
Classification: Pathogenic for Leukoencephalopathy, diffuse hereditary, with spheroids 1. Last evaluated: 2018-07-26. Review status: no assertion criteria provided. Collection method: clinical testing, in vivo. Allele origin: unknown, not applicable. Inheritance: Autosomal dominant inheritance. Affected: yes. Observed: 1 variant allele, 1 heterozygote.
Comment: The heterozygous variant NM_005211.3(CSF1R):c.2527_2530delinsGGCA (p.Ile843_Leu844delinsGlyIle) affects the same codon as known pathogenic variants NM_005211.3(CSF1R):c.2527A>T (p.Ile843Phe) and NM_005211.3(CSF1R):c.2528T>A (p.Ile843Asn). Furthermore there is functional and clear clinical evidence that above mentioned variant meets our criteria to be classified as pathogenic.